The following is an entry in ClinVar:

ClinVar aggregate classification (germline): Likely benign. Review status: criteria provided, multiple submitters, no conflicts (2 of 4 stars). 2 submissions from 2 submitters: Likely benign (2). Last evaluated 2024-05-24.

Allele frequency attached by ClinVar (database versions not stated): gnomAD exomes below 0.00001.
gnomAD v4.1: 5 of 1,422,812 alleles (0.00035%); highest among the groups gnomAD compares: African/African-American, 0.003%; no homozygotes.

Submissions (2):

Labcorp Genetics (formerly Invitae), Labcorp
Classification: Likely benign. Last evaluated: 2024-05-24. Review status: criteria provided, single submitter. Criteria: Invitae Variant Classification Sherloc (09022015). Collection method: clinical testing. Allele origin: germline.

CeGaT Center for Human Genetics Tuebingen
Classification: Likely benign. Last evaluated: 2022-07-01. Review status: criteria provided, single submitter. Criteria: CeGaT Center For Human Genetics Tuebingen Variant Classification Criteria Version 2. Collection method: clinical testing. Allele origin: germline. Affected: yes. Observed: 1 variant allele.
Comment: CTDP1: PM2:Supporting, BP4, BP7

NM_004715.5(CTDP1):c.168C>G (p.Ala56=)

Gene: CTDP1 (CTD phosphatase 1; plus strand). Cytogenetic location: 18q23.
Variant type: single nucleotide variant.
Coding change: c.168C>G on transcript NM_004715.5 (MANE Select); coding-DNA position 168, C replaced by G.
Protein change: p.Ala56=; no amino-acid change (alanine 56 retained).
Molecular consequence: synonymous variant.
Genome position (GRCh38, 1-based): chr18:79,680,115, C>G. VCF-style: chr18-79680115-C-G. GRCh37 (hg19) VCF-style: chr18-77440115-C-G.
Other names: c.168C>G, p.Ala56= (NM_001318511.2, NM_048368.4).
Identifiers: ClinVar variation 1701344 (VCV001701344.33), dbSNP rs1199911775, ClinGen allele CA504866529.